The following is an entry in ClinVar:

NM_153717.3(EVC):c.-16_20del (p.Met1_Ala7del)

Genes: EVC (EvC ciliary complex subunit 1; plus strand), LOC129992144 (ATAC-STARR-seq lymphoblastoid silent region 15223; plus strand). Cytogenetic location: 4p16.2.
Variant type: Deletion.
Coding change: c.-16_20del on transcript NM_153717.3 (MANE Select); 16 bases upstream of the start codon through coding-DNA position 20, 36 bases deleted.
Protein change: p.Met1_Ala7del.
Molecular consequence: inframe deletion, initiator codon variant.
Genome position (GRCh38, 1-based): chr4:5,711,365-5,711,400, 36 bases deleted; deleting any 36 consecutive bases within chr4:5,711,352-5,711,400 gives the same sequence; the c. name uses the placement nearest the transcript's 3' end. GRCh37 (hg19): chr4:5,713,092-5,713,127.
Other names: c.-16_20del, p.Met1_Ala7del (NM_001306090.2, NM_001306092.2); c.-16_20delAGCCTGAGCGCCCCGGATGGCCCGCGGCGGGGCGGC (NM_153717.2).
Identifiers: ClinVar variation 1521488 (VCV001521488.9), dbSNP rs1445771901, ClinGen allele CA796572947.

ClinVar aggregate classification (germline): Likely pathogenic. Review status: criteria provided, multiple submitters, no conflicts (2 of 4 stars). 3 submissions from 3 submitters: Likely pathogenic (3). Last evaluated 2025-08-29.

Conditions:
Ellis-van Creveld syndrome (EVC). Also called: Chondroectodermal dysplasia; EVC-Related Ellis-van Creveld Syndrome; EVC2-Related Ellis-van Creveld Syndrome; MESOECTODERMAL DYSPLASIA. Identifiers: Orphanet 289, MedGen C0013903, MONDO:0009162, OMIM 225500.
Curry-Hall syndrome (WAD). Also called: WEYERS ACRODENTAL DYSOSTOSIS. Identifiers: Orphanet 952, MedGen C0457013, MONDO:0008673, OMIM 193530.

Submissions (3):

Natera, Inc.
Classification: Likely pathogenic for Ellis-van Creveld syndrome. Last evaluated: 2025-08-29. Review status: criteria provided, single submitter. Criteria: Natera Variant Classification Schema (03/2026). Collection method: clinical testing. Allele origin: germline.
Comment: The c.-16_20delAGCCTGAGCGCCCCGGATGGCCCGCGGCGGGGCGGC variant in EVC is predicted to result in start loss due to disruption of the initiator methionine. This variant is expected to result in nonsense mediated decay, truncation, or a dysfunctional protein product. This variant is rare in the general population with a frequency below the threshold expected for the associated phenotype(s). Given the available evidence, this variant is classified as Likely Pathogenic.

Fulgent Genetics
Classification: Likely pathogenic for Curry-Hall syndrome; Ellis-van Creveld syndrome. Last evaluated: 2024-06-04. Review status: criteria provided, single submitter. Criteria: ACMG Guidelines, 2015. Collection method: clinical testing. Allele origin: germline.

Labcorp Genetics (formerly Invitae), Labcorp
Classification: Likely pathogenic for Curry-Hall syndrome; Ellis-van Creveld syndrome. Last evaluated: 2022-09-13. Review status: criteria provided, single submitter. Criteria: Invitae Variant Classification Sherloc (09022015). Collection method: clinical testing. Allele origin: germline.
Comment: In summary, the currently available evidence indicates that the variant is pathogenic, but additional data are needed to prove that conclusively. Therefore, this variant has been classified as Likely Pathogenic. ClinVar contains an entry for this variant (Variation ID: 1521488). Disruption of the initiator codon has been observed in individuals with Ellis-van Creveld syndrome (PMID: 19810119, 28854412). It has also been observed to segregate with disease in related individuals. The frequency data for this variant in the population databases is considered unreliable, as metrics indicate insufficient coverage at this position in the gnomAD database. This sequence change affects the initiator methionine of the EVC mRNA. The next in-frame methionine is located at codon 92.

Literature cited by the submitters: PubMed 19810119 (cited by Labcorp Genetics (formerly Invitae), Labcorp); PubMed 28854412 (cited by Labcorp Genetics (formerly Invitae), Labcorp).